The following is an entry in ClinVar:

ClinVar aggregate classification (germline): Conflicting classifications of pathogenicity. Review status: criteria provided, conflicting classifications (1 of 4 stars). 2 submissions from 2 submitters: Uncertain significance (1); Likely benign (1). Last evaluated 2023-09-30.

Conditions:
Inborn genetic diseases. Identifiers: MedGen C0950123, MeSH D030342.

Allele frequency attached by ClinVar (database versions not stated): TOPMed below 0.00001; gnomAD 0.00001; gnomAD exomes 0.00001.
gnomAD v4.1: 21 of 1,613,764 alleles (0.0013%); highest among the groups gnomAD compares: Non-Finnish European, 0.0016%; no homozygotes.

Submissions (2):

Labcorp Genetics (formerly Invitae), Labcorp
Classification: Uncertain significance. Last evaluated: 2023-09-30. Review status: criteria provided, single submitter. Criteria: Invitae Variant Classification Sherloc (09022015). Collection method: clinical testing. Allele origin: germline.
Comment: In summary, the available evidence is currently insufficient to determine the role of this variant in disease. Therefore, it has been classified as a Variant of Uncertain Significance. Advanced modeling of protein sequence and biophysical properties (such as structural, functional, and spatial information, amino acid conservation, physicochemical variation, residue mobility, and thermodynamic stability) performed at Invitae indicates that this missense variant is not expected to disrupt PKD1L1 protein function. ClinVar contains an entry for this variant (Variation ID: 2272163). This variant has not been reported in the literature in individuals affected with PKD1L1-related conditions. This variant is present in population databases (no rsID available, gnomAD 0.0009%). This sequence change replaces methionine, which is neutral and non-polar, with valine, which is neutral and non-polar, at codon 917 of the PKD1L1 protein (p.Met917Val).

Ambry Genetics
Classification: Likely benign for Inborn genetic diseases. Last evaluated: 2022-01-18. Review status: criteria provided, single submitter. Criteria: Ambry Variant Classification Scheme 2023. Collection method: clinical testing. Allele origin: germline.

NM_138295.5(PKD1L1):c.2749A>G (p.Met917Val)

Gene: PKD1L1 (polycystin 1 like 1, transient receptor potential channel interacting; minus strand). Cytogenetic location: 7p12.3.
Variant type: single nucleotide variant.
Coding change: c.2749A>G on transcript NM_138295.5 (MANE Select); coding-DNA position 2749, A replaced by G.
Protein change: p.Met917Val; replaces methionine 917 with valine.
Molecular consequence: missense variant.
Genome position (GRCh38, 1-based): chr7:47,888,077, T>C on the plus strand (A>G on the coding strand, the complement: PKD1L1 is on the minus strand). VCF-style: chr7-47888077-T-C. GRCh37 (hg19) VCF-style: chr7-47927675-T-C.
Other names: short protein forms M917V.
Identifiers: ClinVar variation 2272163 (VCV002272163.5), dbSNP rs953044138, ClinGen allele CA158113705.